The following is an entry in ClinVar:

NM_001365715.1(LRCH3):c.870G>A (p.Pro290=)

Gene: LRCH3 (leucine rich repeats and calponin homology domain containing 3; plus strand). Cytogenetic location: 3q29.
Variant type: single nucleotide variant.
Coding change: c.870G>A on transcript NM_001365715.1 (MANE Select); coding-DNA position 870, G replaced by A.
Protein change: p.Pro290=; no amino-acid change (proline 290 retained).
Molecular consequence: synonymous variant. On other transcripts: non-coding transcript variant (1).
Genome position (GRCh38, 1-based): chr3:197,829,656, G>A. VCF-style: chr3-197829656-G-A. GRCh37 (hg19) VCF-style: chr3-197556527-G-A.
Other names: c.870G>A, p.Pro290= (NM_001363887.1, NM_001365716.1, NM_001365717.1 and 3 more transcripts).
Identifiers: ClinVar variation 3038331 (VCV003038331.2), dbSNP rs148382632, ClinGen allele CA2788114.

ClinVar aggregate classification (germline): Likely benign (0 of 4 stars; one submission).

Conditions:
LRCH3-related disorder. Also called: LRCH3-related condition.

Allele frequency attached by ClinVar (database versions not stated): gnomAD 0.00190; TOPMed 0.00218; ESP Exome Variant Server 0.00269; gnomAD exomes 0.00036; ExAC 0.00065; 1000 Genomes Project 30x 0.00109; 1000 Genomes Project 0.00120.
gnomAD v4.1: 834 of 1,611,420 alleles (0.052%); highest among the groups gnomAD compares: African/African-American, 0.61%; 1 homozygote.

Submission:

PreventionGenetics, part of Exact Sciences
Classification: Likely benign for LRCH3-related condition. Last evaluated: 2019-05-01. Review status: no assertion criteria provided. Collection method: clinical testing. Allele origin: germline.
Comment: This variant is classified as likely benign based on ACMG/AMP sequence variant interpretation guidelines (Richards et al. 2015 PMID: 25741868, with internal and published modifications).